The following is an entry in ClinVar:

NC_000020.10:g.(?_62050952)_(62059808_?)del

Gene: KCNQ2 (potassium voltage-gated channel subfamily Q member 2; minus strand). Cytogenetic location: 20q13.33.
Variant type: Deletion.
Identifiers: ClinVar variation 3248239 (VCV003248239.1).

ClinVar aggregate classification (germline): Pathogenic (1 of 4 stars; one submission).

Conditions:
Developmental and epileptic encephalopathy. Identifiers: MedGen C5779964, MONDO:0100620.

Submission:

Labcorp Genetics (formerly Invitae), Labcorp
Classification: Pathogenic for Early-infantile DEE. Last evaluated: 2023-06-14. Review status: criteria provided, single submitter. Criteria: Invitae Variant Classification Sherloc (09022015). Collection method: clinical testing. Allele origin: unknown.
Comment: For these reasons, this variant has been classified as Pathogenic. This variant disrupts a region of the KCNQ2 protein in which other variant(s) (Deletion (Exon 12)) have been observed in individuals with KCNQ2-related conditions (Invitae). This suggests that this is a clinically significant region of the protein, and that variants that disrupt it are likely to be disease-causing. A similar copy number variant has been observed in individual(s) with KCNQ2-related condition (Invitae). In at least one individual the variant was observed to be de novo. This variant is a gross deletion of the genomic region encompassing exon(s) 10-12 of the KCNQ2 gene. This variant would be expected to be in-frame, preserving the integrity of the reading frame.